The following is an entry in ClinVar:

ClinVar aggregate classification (germline): Uncertain significance (1 of 4 stars; one submission).

Submission:

Labcorp Genetics (formerly Invitae), Labcorp
Classification: Uncertain significance. Last evaluated: 2019-12-17. Review status: criteria provided, single submitter. Criteria: Invitae Variant Classification Sherloc (09022015). Collection method: clinical testing. Allele origin: germline.
Comment: Experimental studies and prediction algorithms are not available or were not evaluated, and the functional significance of this variant is currently unknown. In summary, the available evidence is currently insufficient to determine the role of this variant in disease. Therefore, it has been classified as a Variant of Uncertain Significance. This variant has not been reported in the literature in individuals with HOXB13-related conditions. This variant is not present in population databases (ExAC no frequency). This sequence change results in a premature translational stop signal in the HOXB13 gene (p.Cys211*). While this is not anticipated to result in nonsense mediated decay, it is expected to disrupt the last 74 amino acids of the HOXB13 protein.

NM_006361.6(HOXB13):c.632_633delinsAA (p.Cys211Ter)

Gene: HOXB13 (homeobox B13; minus strand). Cytogenetic location: 17q21.32.
Variant type: Indel.
Coding change: c.632_633delinsAA on transcript NM_006361.6 (MANE Select); coding-DNA positions 632 to 633, GC replaced by AA.
Protein change: p.Cys211Ter; replaces cysteine 211 with a stop codon.
Molecular consequence: nonsense.
Genome position (GRCh38, 1-based): chr17:48,727,012-48,727,013, GC replaced by TT on the plus strand (GC replaced by AA on the coding strand, the reverse complement: HOXB13 is on the minus strand). VCF-style: chr17-48727012-GC-TT. GRCh37 (hg19) VCF-style: chr17-46804374-GC-TT.
Other names: short protein forms C211*.
Identifiers: ClinVar variation 837076 (VCV000837076.8), dbSNP rs2038219283, ClinGen allele CA916082435.